The following is an entry in ClinVar:

NM_000020.3(ACVRL1):c.1187C>T (p.Thr396Ile)

Gene: ACVRL1 (activin A receptor like type 1; plus strand). Cytogenetic location: 12q13.13.
Variant type: single nucleotide variant.
Coding change: c.1187C>T on transcript NM_000020.3 (MANE Select); coding-DNA position 1187, C replaced by T.
Protein change: p.Thr396Ile; replaces threonine 396 with isoleucine.
Molecular consequence: missense variant.
Genome position (GRCh38, 1-based): chr12:51,916,174, C>T. VCF-style: chr12-51916174-C-T. GRCh37 (hg19) VCF-style: chr12-52309958-C-T.
Other names: c.1187C>T, p.Thr396Ile (NM_001077401.2, NM_001406487.1, NM_001406488.1 and 1 more transcripts); c.875C>T, p.Thr292Ile (NM_001406490.1, NM_001406491.1, NM_001406492.1 and 1 more transcripts); c.623C>T, p.Thr208Ile (NM_001406495.1); short protein forms T292I, T396I, T208I.
Identifiers: ClinVar variation 1743757 (VCV001743757.3), dbSNP rs372144414, ClinGen allele CA6573085.

ClinVar aggregate classification (germline): Uncertain significance. Review status: criteria provided, multiple submitters, no conflicts (2 of 4 stars). 2 submissions from 2 submitters: Uncertain significance (2). Last evaluated 2022-12-17.

Conditions:
Telangiectasia, hereditary hemorrhagic, type 2 (HHT2). Also called: ACVRL1-Related Hereditary Hemorrhagic Telangiectasia; Telangiectasia, hereditary hemorrhagic, type II. Identifiers: Orphanet 774, MedGen C1838163, MONDO:0010880, OMIM 600376. Disease mechanism: loss of function.
Cardiovascular phenotype. Identifiers: MedGen CN230736.

Allele frequency attached by ClinVar (database versions not stated): gnomAD exomes below 0.00001; ExAC 0.00002; gnomAD 0.00003; TOPMed 0.00004; ESP Exome Variant Server 0.00008.
gnomAD v4.1: 8 of 1,614,100 alleles (0.0005%); highest among the groups gnomAD compares: Admixed American, 0.0067%; no homozygotes.

Submissions (2):

Laboratorio de Genetica e Diagnostico Molecular, Hospital Israelita Albert Einstein
Classification: Uncertain significance for Telangiectasia, hereditary hemorrhagic, type 2. Last evaluated: 2022-12-17. Review status: criteria provided, single submitter. Criteria: ACMG Guidelines, 2015. Collection method: clinical testing. Allele origin: germline. Affected: yes. Observed: 1 variant allele.
Comment: ACMG classification criteria: PM2 supporting

Ambry Genetics
Classification: Uncertain significance for Cardiovascular phenotype. Last evaluated: 2021-06-22. Review status: criteria provided, single submitter. Criteria: Ambry Variant Classification Scheme 2023. Collection method: clinical testing. Allele origin: germline.
Comment: The p.T396I variant (also known as c.1187C>T), located in coding exon 7 of the ACVRL1 gene, results from a C to T substitution at nucleotide position 1187. The threonine at codon 396 is replaced by isoleucine, an amino acid with similar properties. This amino acid position is conserved. In addition, this alteration is predicted to be deleterious by in silico analysis. Since supporting evidence is limited at this time, the clinical significance of this alteration remains unclear.